The following is an entry in ClinVar:

ClinVar aggregate classification (germline): Uncertain significance (1 of 4 stars; one submission).

Conditions:
Catecholaminergic polymorphic ventricular tachycardia 1. Also called: VENTRICULAR TACHYCARDIA, CATECHOLAMINERGIC POLYMORPHIC, 1, WITH OR WITHOUT ATRIAL DYSFUNCTION AND/OR DILATED CARDIOMYOPATHY; RYR2-Related Catecholaminergic Polymorphic Ventricular Tachycardia; VENTRICULAR TACHYCARDIA, STRESS-INDUCED POLYMORPHIC 1. Identifiers: Orphanet 3286, MedGen C1631597, MONDO:0011484, OMIM 604772.

Submission:

Labcorp Genetics (formerly Invitae), Labcorp
Classification: Uncertain significance for Catecholaminergic polymorphic ventricular tachycardia 1. Last evaluated: 2025-02-04. Review status: criteria provided, single submitter. Criteria: Invitae Variant Classification Sherloc (09022015). Collection method: clinical testing. Allele origin: germline.
Comment: This sequence change replaces histidine, which is basic and polar, with leucine, which is neutral and non-polar, at codon 269 of the CASQ2 protein (p.His269Leu). This variant is not present in population databases (gnomAD no frequency). This variant has not been reported in the literature in individuals affected with CASQ2-related conditions. Invitae Evidence Modeling of protein sequence and biophysical properties (such as structural, functional, and spatial information, amino acid conservation, physicochemical variation, residue mobility, and thermodynamic stability) indicates that this missense variant is not expected to disrupt CASQ2 protein function with a negative predictive value of 80%. In summary, the available evidence is currently insufficient to determine the role of this variant in disease. Therefore, it has been classified as a Variant of Uncertain Significance.

NM_001232.4(CASQ2):c.806A>T (p.His269Leu)

Gene: CASQ2 (calsequestrin 2; minus strand). Cytogenetic location: 1p13.1.
Variant type: single nucleotide variant.
Coding change: c.806A>T on transcript NM_001232.4 (MANE Select); coding-DNA position 806, A replaced by T.
Protein change: p.His269Leu; replaces histidine 269 with leucine.
Molecular consequence: missense variant.
Genome position (GRCh38, 1-based): chr1:115,717,872, T>A on the plus strand (A>T on the coding strand, the complement: CASQ2 is on the minus strand). VCF-style: chr1-115717872-T-A. GRCh37 (hg19) VCF-style: chr1-116260493-T-A.
Other names: short protein forms H269L.
Identifiers: ClinVar variation 3664586 (VCV003664586.2).